The following is an entry in ClinVar:

ClinVar aggregate classification (germline): Uncertain significance (1 of 4 stars; one submission).

Submission:

CeGaT Center for Human Genetics Tuebingen
Classification: Uncertain significance. Last evaluated: 2024-12-01. Review status: criteria provided, single submitter. Criteria: CeGaT Center For Human Genetics Tuebingen Variant Classification Criteria Version 2. Collection method: clinical testing. Allele origin: germline. Affected: yes. Observed: 1 variant allele.
Comment: PTPRT: PM2, PP3

NM_007050.6(PTPRT):c.1153G>C (p.Asp385His)

Gene: PTPRT (protein tyrosine phosphatase receptor type T; minus strand). Cytogenetic location: 20q12.
Variant type: single nucleotide variant.
Coding change: c.1153G>C on transcript NM_007050.6 (MANE Select); coding-DNA position 1153, G replaced by C.
Protein change: p.Asp385His; replaces aspartic acid 385 with histidine.
Molecular consequence: missense variant.
Genome position (GRCh38, 1-based): chr20:42,677,866, C>G on the plus strand (G>C on the coding strand, the complement: PTPRT is on the minus strand). VCF-style: chr20-42677866-C-G. GRCh37 (hg19) VCF-style: chr20-41306506-C-G.
Other names: c.1153G>C, p.Asp385His (NM_001394024.1, NM_001394025.1, NM_001394026.1 and 1 more transcripts); short protein forms D385H.
Identifiers: ClinVar variation 3771651 (VCV003771651.13).